The following is an entry in ClinVar:

NC_000004.11:g.(?_159593534)_(159629689_?)del

Gene: ETFDH (electron transfer flavoprotein dehydrogenase; plus strand). Cytogenetic location: 4q32.1.
Variant type: Deletion.
Identifiers: ClinVar variation 2425118 (VCV002425118.5).

ClinVar aggregate classification (germline): Pathogenic (1 of 4 stars; one submission).

Conditions:
Multiple acyl-CoA dehydrogenase deficiency (MADD). Also called: Glutaric aciduria, type 2; ETHYLMALONIC-ADIPICACIDURIA; GA II; Glutaric Acidemia type 2; Glutaric acidemia type II; GA 2. Identifiers: Orphanet 26791, MedGen C0268596, MONDO:0009282, OMIM 231680.

Submission:

Labcorp Genetics (formerly Invitae), Labcorp
Classification: Pathogenic for Multiple acyl-CoA dehydrogenase deficiency. Last evaluated: 2022-07-01. Review status: criteria provided, single submitter. Criteria: Invitae Variant Classification Sherloc (09022015). Collection method: clinical testing. Allele origin: germline.
Comment: For these reasons, this variant has been classified as Pathogenic. This variant has not been reported in the literature in individuals affected with ETFDH-related conditions. A gross deletion of the genomic region encompassing the full coding sequence of the ETFDH gene has been identified. Loss-of-function variants in ETFDH are known to be pathogenic (PMID: 16510302, 23785301). The boundaries of this event are unknown as they extend beyond the assayed region for this gene and therefore may encompass additional genes.

Literature cited by the submitters: PubMed 16510302; PubMed 23785301.